The following is an entry in ClinVar:

ClinVar aggregate classification (germline): Pathogenic. Review status: criteria provided, multiple submitters, no conflicts (2 of 4 stars). 3 submissions from 3 submitters: Pathogenic (3). Last evaluated 2025-08-12.

Conditions:
Epidermolysis bullosa dystrophica. Also called: Dystrophic epidermolysis bullosa, Hallopeau-Siemens type (formerly); Dystrophic epidermolysis bullosa. Identifiers: Orphanet 303, MedGen C0079294, MONDO:0006543.
COL7A1-related disorder. Also called: COL7A1- related disorders; COL7A1-related condition.

Allele frequency attached by ClinVar (database versions not stated): gnomAD 0.00001.
gnomAD v4.1: 1 of 1,614,064 alleles (0.000062%); highest among the groups gnomAD compares: African/African-American, 0.0013%; no homozygotes.

Submissions (3):

Natera, Inc.
Classification: Pathogenic for Dystrophic epidermolysis bullosa. Last evaluated: 2025-08-12. Review status: criteria provided, single submitter. Criteria: Natera Variant Classification Schema (03/2026). Collection method: clinical testing. Allele origin: germline.
Comment: The c.7097G>A variant in COL7A1 is a missense variant predicted to cause substitution of glycine to aspartic acid at amino acid 2366. This variant is rare in the general population with a frequency below the threshold expected for the associated phenotype(s). This variant has been observed in one or more individuals affected with the associated recessive disease, as either homozygous or compound heterozygous with a second variant (PMID: 40701620, 40025372, 20184583, 35314946, 36287101). Computational prediction algorithms indicate this variant is likely to affect gene or protein function. Given the available evidence, this variant is classified as Pathogenic.

Blueprint Genetics
Classification: Pathogenic for COL7A1-related disorders. Last evaluated: 2023-09-28. Review status: criteria provided, single submitter. Criteria: ACMG Guidelines, 2015. Collection method: clinical testing. Allele origin: germline. Affected: yes. Observed: 3 variant alleles.

Biomedical Innovation Departament, CIEMAT
Classification: Pathogenic for Dystrophic epidermolysis bullosa. Last evaluated: 2018-08-29. Review status: criteria provided, single submitter. Criteria: ACMG Guidelines, 2015. Collection method: research. Allele origin: germline. Affected: yes. Observed: 1 variant allele.

Literature cited by the submitters: PubMed 40701620 (cited by Natera, Inc.); PubMed 40025372 (cited by Natera, Inc.); PubMed 20184583 (cited by Natera, Inc.); PubMed 35314946 (cited by Natera, Inc.); PubMed 36287101 (cited by Natera, Inc.); PubMed 19681861 (cited by Biomedical Innovation Departament, CIEMAT).

NM_000094.4(COL7A1):c.7097G>A (p.Gly2366Asp)

Gene: COL7A1 (collagen type VII alpha 1 chain; minus strand). Cytogenetic location: 3p21.31.
Variant type: single nucleotide variant.
Coding change: c.7097G>A on transcript NM_000094.4 (MANE Select); coding-DNA position 7097, G replaced by A.
Protein change: p.Gly2366Asp; replaces glycine 2366 with aspartic acid.
Molecular consequence: missense variant.
Genome position (GRCh38, 1-based): chr3:48,571,250, C>T on the plus strand (G>A on the coding strand, the complement: COL7A1 is on the minus strand). VCF-style: chr3-48571250-C-T. GRCh37 (hg19) VCF-style: chr3-48608683-C-T.
Other names: c.7097G>A (NM_000094.3); short protein forms G2366D.
Identifiers: ClinVar variation 1048021 (VCV001048021.3), dbSNP rs2043899331, ClinGen allele CA352651446.